The following is an entry in ClinVar:

ClinVar aggregate classification (germline): Uncertain significance (1 of 4 stars; one submission).

Conditions:
Inborn genetic diseases. Identifiers: MedGen C0950123, MeSH D030342.

Submission:

Ambry Genetics
Classification: Uncertain significance for Inborn genetic diseases. Last evaluated: 2026-02-16. Review status: criteria provided, single submitter. Criteria: Ambry Variant Classification Scheme 2023. Collection method: clinical testing. Allele origin: germline.
Comment: The p.S1019G variant (also known as c.3055A>G), located in coding exon 14 of the MECOM gene, results from an A to G substitution at nucleotide position 3055. The serine at codon 1019 is replaced by glycine, an amino acid with similar properties. This amino acid position is conserved. In addition, this alteration is predicted to be tolerated by in silico analysis. Based on the available evidence, the clinical significance of this variant remains unclear.

NM_004991.4(MECOM):c.3055A>G (p.Ser1019Gly)

Gene: MECOM (MDS1 and EVI1 complex locus; minus strand). Cytogenetic location: 3q26.2.
Variant type: single nucleotide variant.
Coding change: c.3055A>G on transcript NM_004991.4 (MANE Select); coding-DNA position 3055, A replaced by G.
Protein change: p.Ser1019Gly; replaces serine 1019 with glycine.
Molecular consequence: missense variant.
Genome position (GRCh38, 1-based): chr3:169,093,067, T>C on the plus strand (A>G on the coding strand, the complement: MECOM is on the minus strand). VCF-style: chr3-169093067-T-C. GRCh37 (hg19) VCF-style: chr3-168810855-T-C.
Other names: c.2686A>G, p.Ser896Gly (NM_001105077.4); c.2491A>G, p.Ser831Gly (NM_001105078.4, NM_001205194.2, NM_001366469.2 and 1 more transcripts); c.2467A>G, p.Ser823Gly (NM_001163999.2, NM_001366470.2); c.2464A>G, p.Ser822Gly (NM_001164000.2, NM_001366471.2, NM_001366472.2); c.3028A>G, p.Ser1010Gly (NM_001366466.2); c.2494A>G, p.Ser832Gly (NM_001366467.2, NM_001366468.2); c.2056A>G, p.Ser686Gly (NM_001366473.2); c.1492A>G, p.Ser498Gly (NM_001366474.2); short protein forms S686G, S822G, S896G, S498G, S823G, S831G, S832G, S1010G.
Identifiers: ClinVar variation 4824308 (VCV004824308.1).